The following is an entry in ClinVar:

ClinVar aggregate classification (germline): Benign/Likely benign. Review status: criteria provided, multiple submitters, no conflicts (2 of 4 stars). 4 submissions from 4 submitters: Benign (1); Likely benign (3). Last evaluated 2025-12-14.

Conditions:
Gray platelet syndrome (GPS). Also called: BLEEDING DISORDER, PLATELET-TYPE, 4. Identifiers: Orphanet 721, MedGen C0272302, MONDO:0007686, OMIM 139090.

Allele frequency attached by ClinVar (database versions not stated): gnomAD exomes 0.00013 and 0.00041; ExAC 0.00052; gnomAD 0.00112 and 0.00118; ESP Exome Variant Server 0.00119; TOPMed 0.00121; 1000 Genomes Project 0.00160; 1000 Genomes Project 30x 0.00187.
gnomAD v4.1: 371 of 1,609,872 alleles (0.023%); highest among the groups gnomAD compares: African/African-American, 0.36%; 1 homozygote.

Submissions (4):

Labcorp Genetics (formerly Invitae), Labcorp
Classification: Benign. Last evaluated: 2025-12-14. Review status: criteria provided, single submitter. Criteria: Invitae Variant Classification Sherloc (09022015). Collection method: clinical testing. Allele origin: germline.

Mayo Clinic Laboratories, Mayo Clinic
Classification: Likely benign. Last evaluated: 2025-08-28. Review status: criteria provided, single submitter. Criteria: ACMG Guidelines, 2015. Collection method: clinical testing. Allele origin: germline. Observed: 1 variant allele.
Comment: BS1, BP4, BP7

Blueprint Genetics
Classification: Likely benign. Last evaluated: 2024-02-06. Review status: criteria provided, single submitter. Criteria: ACMG Guidelines, 2015. Collection method: clinical testing. Allele origin: germline.

Illumina Laboratory Services, Illumina
Classification: Likely benign for Gray platelet syndrome. Last evaluated: 2017-04-27. Review status: criteria provided, single submitter. Criteria: ICSL Variant Classification Criteria 13 December 2019. Collection method: clinical testing. Allele origin: germline.
Comment: This variant was observed as part of a predisposition screen in an ostensibly healthy population. A literature search was performed for the gene, cDNA change, and amino acid change (where applicable). No publications were found based on this search. Allele frequency data from public databases allowed determination this variant is unlikely to cause disease. Therefore, this variant is classified as likely benign.

NM_015175.3(NBEAL2):c.7602+10G>A

Gene: NBEAL2 (neurobeachin like 2; plus strand). Cytogenetic location: 3p21.31.
Variant type: single nucleotide variant.
Coding change: c.7602+10G>A on transcript NM_015175.3 (MANE Select); 10 bases into the intron after coding-DNA position 7602, G replaced by A.
Molecular consequence: intron variant.
Genome position (GRCh38, 1-based): chr3:47,007,920, G>A. VCF-style: chr3-47007920-G-A. GRCh37 (hg19) VCF-style: chr3-47049410-G-A.
Other names: p.?; c.7500+10G>A (NM_001365116.2).
Identifiers: ClinVar variation 722359 (VCV000722359.10), dbSNP rs201513299, ClinGen allele CA2362199.